The following is an entry in ClinVar:

ClinVar aggregate classification (germline): Pathogenic (1 of 4 stars; one submission).

Conditions:
Pyruvate dehydrogenase E3 deficiency (DLDD). Also called: E3 DEFICIENCY; Lipoamide dehydrogenase deficiency; MAPLE SYRUP URINE DISEASE, TYPE III; Dihydrolipoamide Dehydrogenase (E3) Deficiency; Dihydrolipoamide Dehydrogenase E3 Deficiency; DLD DEFICIENCY. Identifiers: Orphanet 2394, Orphanet 765, MedGen C5574660, MONDO:0009529, OMIM 246900.

Submission:

Labcorp Genetics (formerly Invitae), Labcorp
Classification: Pathogenic for Pyruvate dehydrogenase E3 deficiency. Last evaluated: 2023-02-05. Review status: criteria provided, single submitter. Criteria: Invitae Variant Classification Sherloc (09022015). Collection method: clinical testing. Allele origin: germline.
Comment: This variant is not present in population databases (gnomAD no frequency). For these reasons, this variant has been classified as Pathogenic. This variant has not been reported in the literature in individuals affected with DLD-related conditions. This sequence change creates a premature translational stop signal (p.Glu411Glyfs*4) in the DLD gene. It is expected to result in an absent or disrupted protein product. Loss-of-function variants in DLD are known to be pathogenic (PMID: 8968745, 9934985).

Literature cited by the submitters: PubMed 8968745; PubMed 9934985.

NM_000108.5(DLD):c.1232_1233del (p.Glu411fs)

Gene: DLD (dihydrolipoamide dehydrogenase; plus strand). Cytogenetic location: 7q31.1.
Variant type: Deletion.
Coding change: c.1232_1233del on transcript NM_000108.5 (MANE Select); coding-DNA positions 1232 to 1233, 2 bases deleted (AA; older notation c.1232_1233delAA).
Protein change: p.Glu411fs; shifts the reading frame from glutamic acid 411.
Molecular consequence: frameshift variant.
Genome position (GRCh38, 1-based): chr7:107,917,458-107,917,459, AA deleted. VCF-style (leftmost placement, unchanged base first): chr7-107917457-GAA-G. GRCh37 (hg19) VCF-style: chr7-107557902-GAA-G.
Other names: c.935_936del, p.Glu312fs (NM_001289750.1); c.1163_1164del, p.Glu388fs (NM_001289751.1); c.1088_1089del, p.Glu363fs (NM_001289752.1); short protein forms E312fs, E363fs, E388fs, E411fs.
Identifiers: ClinVar variation 2030397 (VCV002030397.4), dbSNP rs2535602793, ClinGen allele CA2578990199.